The following is an entry in ClinVar:

NM_182961.4(SYNE1):c.153C>A (p.Asp51Glu)

Gene: SYNE1 (spectrin repeat containing nuclear envelope protein 1; minus strand). Cytogenetic location: 6q25.2.
Variant type: single nucleotide variant.
Coding change: c.153C>A on transcript NM_182961.4 (MANE Select); coding-DNA position 153, C replaced by A.
Protein change: p.Asp51Glu; replaces aspartic acid 51 with glutamic acid.
Molecular consequence: missense variant.
Genome position (GRCh38, 1-based): chr6:152,526,152, G>T on the plus strand (C>A on the coding strand, the complement: SYNE1 is on the minus strand). VCF-style: chr6-152526152-G-T. GRCh37 (hg19) VCF-style: chr6-152847287-G-T.
Other names: c.153C>A, p.Asp51Glu (NM_033071.5); short protein forms D51E.
Identifiers: ClinVar variation 2657040 (VCV002657040.24), dbSNP rs779081280, ClinGen allele CA366113373.

ClinVar aggregate classification (germline): Uncertain significance (1 of 4 stars; one submission).

gnomAD v4.1: 5 of 1,614,090 alleles (0.00031%); highest among the groups gnomAD compares: Non-Finnish European, 0.00042%; no homozygotes.

Submission:

CeGaT Center for Human Genetics Tuebingen
Classification: Uncertain significance. Last evaluated: 2022-06-01. Review status: criteria provided, single submitter. Criteria: CeGaT Center For Human Genetics Tuebingen Variant Classification Criteria Version 2. Collection method: clinical testing. Allele origin: germline. Affected: yes. Observed: 1 variant allele.
Comment: SYNE1: PM2, BP1, BP4